The following is an entry in ClinVar:

ClinVar aggregate classification (germline): Uncertain significance. Review status: criteria provided, multiple submitters, no conflicts (2 of 4 stars). 2 submissions from 2 submitters: Uncertain significance (2). Last evaluated 2025-04-12.

Allele frequency attached by ClinVar (database versions not stated): TOPMed 0.00002; ExAC 0.00006.
gnomAD v4.1: 20 of 1,613,900 alleles (0.0012%); highest among the groups gnomAD compares: Admixed American, 0.032%; no homozygotes.

Submissions (2):

Ambry Genetics
Classification: Uncertain significance. Last evaluated: 2025-04-12. Review status: criteria provided, single submitter. Criteria: Ambry Variant Classification Scheme 2023. Collection method: clinical testing. Allele origin: germline.

Labcorp Genetics (formerly Invitae), Labcorp
Classification: Uncertain significance. Last evaluated: 2024-11-28. Review status: criteria provided, single submitter. Criteria: Invitae Variant Classification Sherloc (09022015). Collection method: clinical testing. Allele origin: germline.
Comment: This sequence change replaces leucine, which is neutral and non-polar, with phenylalanine, which is neutral and non-polar, at codon 1119 of the SLIT2 protein (p.Leu1119Phe). This variant is present in population databases (rs761804763, gnomAD 0.05%). This variant has not been reported in the literature in individuals affected with SLIT2-related conditions. ClinVar contains an entry for this variant (Variation ID: 2913414). An algorithm developed to predict the effect of missense changes on protein structure and function (PolyPhen-2) suggests that this variant is likely to be disruptive. In summary, the available evidence is currently insufficient to determine the role of this variant in disease. Therefore, it has been classified as a Variant of Uncertain Significance.

NM_004787.4(SLIT2):c.3355C>T (p.Leu1119Phe)

Gene: SLIT2 (slit guidance ligand 2; plus strand). Cytogenetic location: 4p15.31.
Variant type: single nucleotide variant.
Coding change: c.3355C>T on transcript NM_004787.4 (MANE Select); coding-DNA position 3355, C replaced by T.
Protein change: p.Leu1119Phe; replaces leucine 1119 with phenylalanine.
Molecular consequence: missense variant.
Genome position (GRCh38, 1-based): chr4:20,596,449, C>T. VCF-style: chr4-20596449-C-T. GRCh37 (hg19) VCF-style: chr4-20598072-C-T.
Other names: c.3343C>T, p.Leu1115Phe (NM_001289135.3); c.3331C>T, p.Leu1111Phe (NM_001289136.3); c.3355C>T (NM_004787.1); short protein forms L1111F, L1115F, L1119F.
Identifiers: ClinVar variation 2913414 (VCV002913414.4), dbSNP rs761804763, ClinGen allele CA2872174.